The following is an entry in ClinVar:

ClinVar aggregate classification (germline): Uncertain significance (1 of 4 stars; one submission).

Allele frequency attached by ClinVar (database versions not stated): gnomAD exomes below 0.00001; ESP Exome Variant Server 0.00008.
gnomAD v4.1: 3 of 1,614,010 alleles (0.00019%); highest among the groups gnomAD compares: Non-Finnish European, 0.00025%; no homozygotes.

Submission:

GeneDx
Classification: Uncertain significance. Last evaluated: 2023-05-04. Review status: criteria provided, single submitter. Criteria: GeneDx Variant Classification Process June 2021. Collection method: clinical testing. Allele origin: germline. Affected: yes.
Comment: Not observed at significant frequency in large population cohorts (gnomAD); In silico analysis supports that this variant does not alter splicing; Has not been previously published as pathogenic or benign to our knowledge; Reported using an alternate transcript of the gene

NM_003242.6(TGFBR2):c.94+16282A>G

Gene: TGFBR2 (transforming growth factor beta receptor 2; plus strand). Cytogenetic location: 3p24.1.
Variant type: single nucleotide variant.
Coding change: c.94+16282A>G on transcript NM_003242.6 (MANE Select); 16282 bases into the intron after coding-DNA position 94, A replaced by G.
Molecular consequence: intron variant. On other transcripts: missense variant (5), 5 prime UTR variant (2).
Genome position (GRCh38, 1-based): chr3:30,623,259, A>G. VCF-style: chr3-30623259-A-G. GRCh37 (hg19) VCF-style: chr3-30664751-A-G.
Other names: c.155A>G, p.His52Arg (NM_001024847.3, NM_001407126.1, NM_001407137.1 and 1 more transcripts); c.107A>G, p.His36Arg (NM_001407128.1); c.-129A>G (NM_001407133.1); c.-139A>G (NM_001407136.1); c.-12+16666A>G (NM_001407129.1, NM_001407132.1); c.-114-9485A>G (NM_001407135.1); c.-67-11481A>G (NM_001407134.1); c.94+16282A>G (NM_001407127.1, NM_001407130.1, NM_001407138.1); short protein forms H36R, H52R.
Identifiers: ClinVar variation 2663619 (VCV002663619.1), dbSNP rs139308302, ClinGen allele CA72291846.